The following is an entry in ClinVar:

ClinVar aggregate classification (germline): Uncertain significance (1 of 4 stars; one submission).

Conditions:
Aicardi-Goutieres syndrome 4. Identifiers: Orphanet 51, MedGen C1835912, MONDO:0012472, OMIM 610333.

Allele frequency attached by ClinVar (database versions not stated): TOPMed 0.00001.
gnomAD v4.1: 1 of 1,614,128 alleles (0.000062%); highest among the groups gnomAD compares: Non-Finnish European, 0.000085%; no homozygotes.

Submission:

Labcorp Genetics (formerly Invitae), Labcorp
Classification: Uncertain significance for Aicardi-Goutieres syndrome 4. Last evaluated: 2021-10-25. Review status: criteria provided, single submitter. Criteria: Invitae Variant Classification Sherloc (09022015). Collection method: clinical testing. Allele origin: germline.
Comment: This sequence change replaces arginine with tryptophan at codon 76 of the RNASEH2A protein (p.Arg76Trp). The arginine residue is highly conserved and there is a moderate physicochemical difference between arginine and tryptophan. This variant is not present in population databases (ExAC no frequency). This variant has not been reported in the literature in individuals affected with RNASEH2A-related conditions. Algorithms developed to predict the effect of missense changes on protein structure and function (SIFT, PolyPhen-2, Align-GVGD) all suggest that this variant is likely to be disruptive. In summary, the available evidence is currently insufficient to determine the role of this variant in disease. Therefore, it has been classified as a Variant of Uncertain Significance.

NM_006397.3(RNASEH2A):c.226C>T (p.Arg76Trp)

Gene: RNASEH2A (ribonuclease H2 subunit A; plus strand). Cytogenetic location: 19p13.13.
Variant type: single nucleotide variant.
Coding change: c.226C>T on transcript NM_006397.3 (MANE Select); coding-DNA position 226, C replaced by T.
Protein change: p.Arg76Trp; replaces arginine 76 with tryptophan.
Molecular consequence: missense variant.
Genome position (GRCh38, 1-based): chr19:12,807,232, C>T. VCF-style: chr19-12807232-C-T. GRCh37 (hg19) VCF-style: chr19-12918046-C-T.
Other names: short protein forms R76W.
Identifiers: ClinVar variation 1461016 (VCV001461016.3), dbSNP rs1969006970, ClinGen allele CA404264745.